The following is an entry in ClinVar:

NM_014297.5(ETHE1):c.357C>T (p.Ser119=)

Gene: ETHE1 (ETHE1 persulfide dioxygenase; minus strand). Cytogenetic location: 19q13.31.
Variant type: single nucleotide variant.
Coding change: c.357C>T on transcript NM_014297.5 (MANE Select); coding-DNA position 357, C replaced by T.
Protein change: p.Ser119=; no amino-acid change (serine 119 retained).
Molecular consequence: synonymous variant. On other transcripts: intron variant (2).
Genome position (GRCh38, 1-based): chr19:43,526,219, G>A on the plus strand (C>T on the coding strand, the complement: ETHE1 is on the minus strand). VCF-style: chr19-43526219-G-A. GRCh37 (hg19) VCF-style: chr19-44030371-G-A.
Other names: c.324C>T, p.Ser108= (NM_001320867.2); c.81+878C>T (NM_001320869.2); c.6+296C>T (NM_001320868.2); c.357C>T (NM_014297.3).
Identifiers: ClinVar variation 1129307 (VCV001129307.10), dbSNP rs759810296, ClinGen allele CA9487894.
Genomic context (GRCh38, chr19:43,526,219, plus strand): 5'-GTCCAGGCCACCACCCTCTTGGGGACCCAGCACCCAACTCACGAAGCGCCCGAAGCGGAT[G>A]GAGTCTCCATCCTCAATGTGTAAGTCAGCCTGGGCCCCACTAAGGCGGGAGATGACAGAC-3'
Protein context (NP_055112.2, residues 109-129): QADLHIEDGD[Ser119=]IRFGRFALET

ClinVar aggregate classification (germline): Conflicting classifications of pathogenicity. Review status: criteria provided, conflicting classifications (1 of 4 stars). 2 submissions from 2 submitters: Uncertain significance (1); Likely benign (1). Last evaluated 2024-02-19.

Conditions:
Ethylmalonic encephalopathy (EE). Also called: EPEMA syndrome; Encephalopathy, petechiae, and ethylmalonic aciduria; Syndrome of encephalopathy, petechiae, and ethylmalonic aciduria. Identifiers: Orphanet 51188, MedGen C1865349, MONDO:0011229, OMIM 602473. Disease mechanism: loss of function.

Allele frequency attached by ClinVar (database versions not stated): ExAC 0.00001; gnomAD 0.00001; gnomAD exomes 0.00002.
gnomAD v4.1: 25 of 1,614,010 alleles (0.0015%); highest among the groups gnomAD compares: East Asian, 0.016%; no homozygotes.

Submissions (2):

Labcorp Genetics (formerly Invitae), Labcorp
Classification: Likely benign for Ethylmalonic encephalopathy. Last evaluated: 2024-02-19. Review status: criteria provided, single submitter. Criteria: Invitae Variant Classification Sherloc (09022015). Collection method: clinical testing. Allele origin: germline.

GeneDx
Classification: Uncertain significance. Last evaluated: 2023-12-08. Review status: criteria provided, single submitter. Criteria: GeneDx Variant Classification Process June 2021. Collection method: clinical testing. Allele origin: germline. Affected: yes.
Comment: In silico analysis supports that this variant does not alter splicing; Has not been previously published as pathogenic or benign to our knowledge